The following is an entry in ClinVar:

ClinVar aggregate classification (germline): Pathogenic. Review status: reviewed by expert panel (3 of 4 stars). 3 submissions from 3 submitters: Pathogenic (1). 2 of the submissions do not count toward it. Last evaluated 2026-01-28.

Conditions:
Pitt-Hopkins syndrome (PTHS). Also called: ENCEPHALOPATHY, SEVERE EPILEPTIC, WITH AUTONOMIC DYSFUNCTION; MENTAL RETARDATION, SYNDROMAL, WITH INTERMITTENT HYPERVENTILATION. Identifiers: Orphanet 2896, MedGen C1970431, MONDO:0012589, OMIM 610954.

Submissions (3):

ClinGen Rett and Angelman-like Disorders Variant Curation Expert Panel
Classification: Pathogenic for Pitt-Hopkins syndrome. Last evaluated: 2026-01-28. Review status: reviewed by expert panel. Criteria: ClinGen RettAS ACMG Specifications TCF4 V5.0.0. Collection method: curation. Allele origin: germline. Inheritance: Autosomal dominant inheritance.
Comment: The p.Ser253Arg variant in TCF4 has been observed as a de novo occurrence (biological parentage both confirmed and unconfirmed) in 3 individuals with features of Pitt-Hopkins syndrome (PMID 29322350; PMID 26993267, described as p.Ser355Arg; University of Chicago-internal database) (PS2_Very strong). The p.Ser253Arg variant has been observed in 3 individuals with Pitt-Hopkins syndrome (PMID 29322350; 26993267, described as p.Ser355Arg) (PS4_Moderate, PP4). The p.Ser253Arg variant in TCF4 is absent from gnomAD v4.1 (PM2_Supporting). In summary, the p.Ser253Arg variant in TCF4 is classified as Pathogenic for Pitt-Hopkins syndrome based on the ACMG/AMP criteria (PS2_Very strong, PS4_moderate, PM2_supporting, PP4). (TCF4 Specifications v.5.0; curation approved on 01/28/2026).

Genetic Services Laboratory, University of Chicago
Classification: Likely pathogenic for Pitt-Hopkins syndrome. Last evaluated: 2016-10-05. Review status: criteria provided, single submitter. Criteria: ACMG Guidelines, 2015. Collection method: clinical testing. Allele origin: germline. Affected: yes. Not counted in ClinVar's aggregate classification.

GeneDx
Classification: Likely pathogenic. Last evaluated: 2016-01-28. Review status: criteria provided, single submitter. Criteria: GeneDx Variant Classification (06012015). Collection method: clinical testing. Allele origin: germline. Affected: yes. Not counted in ClinVar's aggregate classification.
Comment: The S253R variant in the TCF4 gene has not been reported previously as a pathogenic variant, nor as a benign variant, to our knowledge. The S253R variant was not observed in approximately 6,500 individuals of European and African American ancestry in the NHLBI Exome Sequencing Project, indicating it is not a common benign variant in these populations. The S253R variant is a semi-conservative amino acid substitution, which may impact secondary protein structure as these residues differ in some properties. This substitution occurs at a position that is conserved in mammals. In silico analysis predicts this variant is probably damaging to the protein structure/function. As an alternate mechanism, splice predictor models show that c.759 C>G (S253R) creates a cryptic donor splice site in exon 10, which may result in abnormal gene splicing. We interpret S253R as a strong candidate for a pathogenic variant

NM_001083962.2(TCF4):c.759C>G (p.Ser253Arg)

Gene: TCF4 (transcription factor 4; minus strand). Cytogenetic location: 18q21.2.
Variant type: single nucleotide variant.
Coding change: c.759C>G on transcript NM_001083962.2 (MANE Select); coding-DNA position 759, C replaced by G.
Protein change: p.Ser253Arg; replaces serine 253 with arginine.
Molecular consequence: missense variant.
Genome position (GRCh38, 1-based): chr18:55,275,649, G>C on the plus strand (C>G on the coding strand, the complement: TCF4 is on the minus strand). VCF-style: chr18-55275649-G-C. GRCh37 (hg19) VCF-style: chr18-52942880-G-C.
Other names: NM_001083962.2(TCF4):c.759C>G; c.1065C>G, p.Ser355Arg (NM_001243226.3); c.687C>G, p.Ser229Arg (NM_001243227.2, NM_001306207.1, NM_001348217.1 and 9 more transcripts); c.777C>G, p.Ser259Arg (NM_001243228.2); c.753C>G, p.Ser251Arg (NM_001243230.2); c.633C>G, p.Ser211Arg (NM_001243231.2, NM_001348211.2); c.546C>G, p.Ser182Arg (NM_001243232.1, NM_001306208.1); c.369C>G, p.Ser123Arg (NM_001243233.2, NM_001330605.3, NM_001348212.2 and 1 more transcripts); and 5 more; short protein forms S253R, S37R, S123R, S182R, S229R, S251R, S252R, S93R.
Identifiers: ClinVar variation 432062 (VCV000432062.9), dbSNP rs1555796785, ClinGen allele CA402701458.